The following is an entry in ClinVar:

ClinVar aggregate classification (germline): Benign/Likely benign. Review status: criteria provided, multiple submitters, no conflicts (2 of 4 stars). 10 submissions from 10 submitters: Benign (2); Likely benign (8). Last evaluated 2026-07-01.

Conditions:
Hereditary cancer-predisposing syndrome. Also called: Hereditary neoplastic syndrome; Hereditary Cancer Syndrome; Neoplastic Syndromes, Hereditary; Tumor predisposition. Identifiers: Orphanet 140162, MedGen C0027672, MeSH D009386, MONDO:0015356.
Tuberous sclerosis syndrome (TSC). Also called: Tuberous Sclerosis Complex; Tuberous sclerosis. Identifiers: Orphanet 805, MedGen C0041341, MONDO:0001734.
Tuberous sclerosis 2 (TSC2). Identifiers: Orphanet 805, MedGen C1860707, MONDO:0013199, OMIM 613254.

Allele frequency attached by ClinVar (database versions not stated): gnomAD 0.00005; TOPMed 0.00006; ESP Exome Variant Server 0.00008; ExAC 0.00011.

Submissions (10):

CeGaT Center for Human Genetics Tuebingen
Classification: Likely benign. Last evaluated: 2026-07-01. Review status: criteria provided, single submitter. Criteria: CeGaT Center For Human Genetics Tuebingen Variant Classification Criteria Version 2. Collection method: clinical testing. Allele origin: germline. Affected: yes. Observed: 1 variant allele.
Comment: TSC2: BP4, BP7

Labcorp Genetics (formerly Invitae), Labcorp
Classification: Likely benign for Tuberous sclerosis 2. Last evaluated: 2026-02-01. Review status: criteria provided, single submitter. Criteria: Invitae Variant Classification Sherloc (09022015). Collection method: clinical testing. Allele origin: germline.

Myriad Genetics, Inc.
Classification: Benign for Tuberous sclerosis 2. Last evaluated: 2025-05-02. Review status: criteria provided, single submitter. Criteria: Myriad Autosomal Dominant, Autosomal Recessive and X-Linked Classification Criteria (2023). Collection method: clinical testing. Allele origin: unknown.
Comment: This variant is considered benign. This variant is a silent/synonymous amino acid change and it is not expected to impact splicing.

All of Us Research Program, National Institutes of Health
Classification: Likely benign for Tuberous sclerosis syndrome. Last evaluated: 2024-02-05. Review status: criteria provided, single submitter. Criteria: ACMG Guidelines, 2015. Collection method: clinical testing. Allele origin: germline. Inheritance: Autosomal dominant inheritance. Observed: 11 variant alleles, 11 heterozygotes.
Comment: This study involves interpretation of variants in research participants for the purpose of population health screening. Participant phenotype was not available at the time of variant classification. Additional details can be found in publication PMID: 35346344, PMCID: PMC8962531

Color Diagnostics, LLC DBA Color Health
Classification: Likely benign for Tuberous sclerosis syndrome. Last evaluated: 2022-09-09. Review status: criteria provided, single submitter. Criteria: ACMG Guidelines, 2015. Collection method: clinical testing. Allele origin: germline.

Blueprint Genetics
Classification: Likely benign. Last evaluated: 2022-07-26. Review status: criteria provided, single submitter. Criteria: ACMG Guidelines, 2015. Collection method: clinical testing. Allele origin: germline.

Sema4
Classification: Likely benign for Hereditary cancer-predisposing syndrome. Last evaluated: 2022-03-05. Review status: criteria provided, single submitter. Criteria: Sema4 Curation Guidelines. Collection method: curation. Allele origin: germline.

Genome-Nilou Lab
Classification: Benign for Tuberous sclerosis 2. Last evaluated: 2021-11-07. Review status: criteria provided, single submitter. Criteria: ACMG Guidelines, 2015. Collection method: clinical testing. Allele origin: germline. Affected: no.

Ambry Genetics
Classification: Likely benign for Hereditary cancer-predisposing syndrome. Last evaluated: 2018-03-20. Review status: criteria provided, single submitter. Criteria: Ambry Variant Classification Scheme 2023. Collection method: clinical testing. Allele origin: germline.

GeneDx
Classification: Likely benign. Last evaluated: 2016-12-05. Review status: criteria provided, single submitter. Criteria: GeneDx Variant Classification (06012015). Collection method: clinical testing. Allele origin: germline. Affected: yes.
Comment: This variant is considered likely benign or benign based on one or more of the following criteria: it is a conservative change, it occurs at a poorly conserved position in the protein, it is predicted to be benign by multiple in silico algorithms, and/or has population frequency not consistent with disease.

NM_000548.5(TSC2):c.282G>A (p.Pro94=)

Gene: TSC2 (TSC complex subunit 2; plus strand). Cytogenetic location: 16p13.3.
Variant type: single nucleotide variant.
Coding change: c.282G>A on transcript NM_000548.5 (MANE Select); coding-DNA position 282, G replaced by A.
Protein change: p.Pro94=; no amino-acid change (proline 94 retained).
Molecular consequence: synonymous variant. On other transcripts: intron variant (2).
Genome position (GRCh38, 1-based): chr16:2,053,398, G>A. VCF-style: chr16-2053398-G-A. GRCh37 (hg19) VCF-style: chr16-2103399-G-A.
Other names: c.282G>A, p.Pro94= (NM_001077183.3, NM_001114382.3, NM_001363528.2 and 3 more transcripts); c.135G>A, p.Pro45= (NM_001318829.2); c.315G>A, p.Pro105= (NM_001318832.2); c.226-898G>A (NM_001318827.2); c.-1-2798G>A (NM_001318831.2).
Identifiers: ClinVar variation 238001 (VCV000238001.23), dbSNP rs145624233, ClinGen allele CA042087.